The following is an entry in ClinVar:

ClinVar aggregate classification (germline): Conflicting classifications of pathogenicity. Review status: criteria provided, conflicting classifications (1 of 4 stars). 6 submissions from 6 submitters: Uncertain significance (5); Likely benign (1). Last evaluated 2025-11-19.

Conditions:
Hereditary cancer-predisposing syndrome. Also called: Hereditary neoplastic syndrome; Tumor predisposition; Neoplastic Syndromes, Hereditary; Hereditary Cancer Syndrome. Identifiers: Orphanet 140162, MedGen C0027672, MeSH D009386, MONDO:0015356.
Hereditary breast ovarian cancer syndrome. Also called: Hereditary breast and ovarian cancer; Hereditary breast and/or ovarian cancer syndrome; Hereditary breast and ovarian cancer syndrome; Hereditary breast and ovarian cancer syndrome (HBOC); Breast and ovarian cancer; BRCA1- and BRCA2-Associated Hereditary Breast and Ovarian Cancer. Identifiers: Orphanet 145, MedGen C0677776, MeSH D061325, MONDO:0003582. Disease mechanism: loss of function.
Inherited breast cancer and ovarian cancer.

Allele frequency attached by ClinVar (database versions not stated): TOPMed below 0.00001.
gnomAD v4.1: 1 of 1,611,864 alleles (0.000062%); no homozygotes.

Submissions (6):

Ambry Genetics
Classification: Uncertain significance for Hereditary cancer-predisposing syndrome. Last evaluated: 2025-11-19. Review status: criteria provided, single submitter. Criteria: Ambry Variant Classification Scheme 2023. Collection method: clinical testing. Allele origin: germline.

Color Diagnostics, LLC DBA Color Health
Classification: Uncertain significance for Hereditary cancer-predisposing syndrome. Last evaluated: 2025-11-11. Review status: criteria provided, single submitter. Criteria: ACMG Guidelines, 2015. Collection method: clinical testing. Allele origin: germline.
Comment: This missense variant replaces threonine with isoleucine at codon 256 of the BRCA2 protein. Computational prediction suggests that this variant may not impact protein structure and function. To our knowledge, functional studies have not been reported for this variant. This variant has not been reported in individuals affected with BRCA2-related disorders in the literature. This variant has not been identified in the general population by the Genome Aggregation Database (gnomAD). The available evidence is insufficient to determine the role of this variant in disease conclusively. Therefore, this variant is classified as a Variant of Uncertain Significance.

Labcorp Genetics (formerly Invitae), Labcorp
Classification: Uncertain significance for Hereditary breast ovarian cancer syndrome. Last evaluated: 2025-10-28. Review status: criteria provided, single submitter. Criteria: Invitae Variant Classification Sherloc (09022015). Collection method: clinical testing. Allele origin: germline.
Comment: This sequence change replaces threonine, which is neutral and polar, with isoleucine, which is neutral and non-polar, at codon 256 of the BRCA2 protein (p.Thr256Ile). This variant is not present in population databases (gnomAD no frequency). This variant has not been reported in the literature in individuals affected with BRCA2-related conditions. ClinVar contains an entry for this variant (Variation ID: 420059). Invitae Evidence Modeling of protein sequence and biophysical properties (such as structural, functional, and spatial information, amino acid conservation, physicochemical variation, residue mobility, and thermodynamic stability) indicates that this missense variant is not expected to disrupt BRCA2 protein function with a negative predictive value of 95%. In summary, the available evidence is currently insufficient to determine the role of this variant in disease. Therefore, it has been classified as a Variant of Uncertain Significance.

GeneDx
Classification: Uncertain significance. Last evaluated: 2024-09-22. Review status: criteria provided, single submitter. Criteria: GeneDx Variant Classification Process June 2021. Collection method: clinical testing. Allele origin: germline. Affected: yes.
Comment: Not observed at significant frequency in large population cohorts (gnomAD); In silico analysis indicates that this missense variant does not alter protein structure/function; Has not been previously published as pathogenic or benign to our knowledge; Also known as 995C>T

Genomics and Molecular Medicine Service, East Genomic Laboratory Hub, NHS Genomic Medicine Service
Classification: Likely benign for Inherited breast cancer and ovarian cancer. Last evaluated: 2024-08-12. Review status: criteria provided, single submitter. Criteria: ACGS Best Practice Guidelines for Variant Classification in Rare Disease 2020. Collection method: clinical testing. Allele origin: germline. Affected: yes.
Comment: BP1,BP4

Quest Diagnostics Nichols Institute San Juan Capistrano
Classification: Uncertain significance. Last evaluated: 2019-04-19. Review status: criteria provided, single submitter. Criteria: Quest Diagnostics criteria. Collection method: clinical testing. Allele origin: germline.

NM_000059.4(BRCA2):c.767C>T (p.Thr256Ile)

Gene: BRCA2 (BRCA2 DNA repair associated; plus strand). Cytogenetic location: 13q13.1.
Variant type: single nucleotide variant.
Coding change: c.767C>T on transcript NM_000059.4 (MANE Select); coding-DNA position 767, C replaced by T.
Protein change: p.Thr256Ile; replaces threonine 256 with isoleucine.
Molecular consequence: missense variant.
Genome position (GRCh38, 1-based): chr13:32,331,004, C>T. VCF-style: chr13-32331004-C-T. GRCh37 (hg19) VCF-style: chr13-32905141-C-T.
Other names: short protein forms T256I.
Identifiers: ClinVar variation 420059 (VCV000420059.24), dbSNP rs1064794265, ClinGen allele CA16619650.